The following is an entry in ClinVar:

NC_000001.10:g.(21900293_21902225)_(21902418_21903014)del

Gene: ALPL (alkaline phosphatase, biomineralization associated; plus strand). Cytogenetic location: 1p36.12.
Variant type: Deletion.
Identifiers: ClinVar variation 4847544 (VCV004847544.1).

ClinVar aggregate classification (germline): Pathogenic (1 of 4 stars; one submission).

Conditions:
Hypophosphatasia. Also called: Phosphoethanol-aminuria. Identifiers: Orphanet 436, MedGen C0020630, MeSH D007014, MONDO:0018570.

Submission:

Women's Health and Genetics/Laboratory Corporation of America, LabCorp
Classification: Pathogenic for Hypophosphatasia. Last evaluated: 2026-03-30. Review status: criteria provided, single submitter. Criteria: LabCorp Variant Classification Summary - May 2015. Collection method: clinical testing. Allele origin: germline.
Comment: Variant summary: The variant involves the deletion of exon 10 in the ALPL gene. A presumed nomenclature of c.(997+1_998-1)_(1189+1_1190-1)del has been designated for the purposes of this classification. This Copy Number Variant (CNV) is predicted to result in an in-frame deletion within this gene. Loss-of-function variants in this gene are known to be pathogenic. The variant was absent in 21558 control chromosomes. c.(997+1_998-1)_(1189+1_1190-1)del has been observed in the heterozygous state an individual with clinically suspected Hypophosphatasia (Rush_2025). To our knowledge, no experimental evidence demonstrating an impact on protein function has been reported. Multiple variants within the deleted region have been classified as pathogenic by our lab, providing evidence that the region altered by the variant is critical to protein function. ClinVar contains an entry for this variant (Variation ID: 665051). Based on the evidence outlined above, the variant was classified as pathogenic for autosomal dominant and autosomal recessive Hypophosphatasia.

Literature cited by the submitters: PubMed 39983296.